The following is an entry in ClinVar:

NM_000337.6(SGCD):c.481G>A (p.Ala161Thr)

Gene: SGCD (sarcoglycan delta; plus strand). Cytogenetic location: 5q33.3.
Variant type: single nucleotide variant.
Coding change: c.481G>A on transcript NM_000337.6 (MANE Select); coding-DNA position 481, G replaced by A.
Protein change: p.Ala161Thr; replaces alanine 161 with threonine.
Molecular consequence: missense variant.
Genome position (GRCh38, 1-based): chr5:156,595,030, G>A. VCF-style: chr5-156595030-G-A. GRCh37 (hg19) VCF-style: chr5-156022040-G-A.
Other names: c.478G>A, p.Ala160Thr (NM_001128209.2); c.481G>A, p.Ala161Thr (NM_172244.3); c.481G>A (NM_000337.5); short protein forms A161T, A160T.
Identifiers: ClinVar variation 288444 (VCV000288444.10), dbSNP rs886043902, ClinGen allele CA10606094.
Genomic context (GRCh38, chr5:156,595,030, plus strand): 5'-GTAAAAACTGTTTCTGGAAAATTGCTCTTCTCTGCAGACAATAATGAAGTGGTAGTAGGA[G>A]CTGAAAGATTACGAGTTTTAGGTAAGGAAACTTGAATCATTTAACTTGTTTGATGCTACT-3'
Protein context (NP_000328.2, residues 151-171): SADNNEVVVG[Ala161Thr]ERLRVLGAEG

ClinVar aggregate classification (germline): Uncertain significance. Review status: criteria provided, multiple submitters, no conflicts (2 of 4 stars). 5 submissions from 4 submitters: Uncertain significance (5). Last evaluated 2023-02-08.

Conditions:
Autosomal recessive limb-girdle muscular dystrophy type 2F (LGMDR6). Also called: Muscular dystrophy limb-girdle with delta-sarcoglyan deficiency; MUSCULAR DYSTROPHY, LIMB-GIRDLE, AUTOSOMAL RECESSIVE 6. Identifiers: Orphanet 219, MedGen C1832525, MONDO:0011028, OMIM 601287. Disease mechanism: Affects gamma-sarcoglycan and also disrupts the integrity of the entire sarcoglycan complex..
Dilated cardiomyopathy 1L (CMD1L). Identifiers: Orphanet 154, MedGen C1847667, MONDO:0011702, OMIM 606685.

Submissions (5):

Genome-Nilou Lab
Classification: Uncertain significance for Autosomal recessive limb-girdle muscular dystrophy type 2F. Last evaluated: 2023-02-08. Review status: criteria provided, single submitter. Criteria: ACMG Guidelines, 2015. Collection method: clinical testing. Allele origin: germline.

Genome-Nilou Lab
Classification: Uncertain significance for Dilated cardiomyopathy 1L. Last evaluated: 2023-02-08. Review status: criteria provided, single submitter. Criteria: ACMG Guidelines, 2015. Collection method: clinical testing. Allele origin: germline.

Labcorp Genetics (formerly Invitae), Labcorp
Classification: Uncertain significance for Autosomal recessive limb-girdle muscular dystrophy type 2F. Last evaluated: 2022-05-12. Review status: criteria provided, single submitter. Criteria: Invitae Variant Classification Sherloc (09022015). Collection method: clinical testing. Allele origin: germline.
Comment: This sequence change replaces alanine, which is neutral and non-polar, with threonine, which is neutral and polar, at codon 161 of the SGCD protein (p.Ala161Thr). This variant is not present in population databases (gnomAD no frequency). This variant has not been reported in the literature in individuals affected with SGCD-related conditions. ClinVar contains an entry for this variant (Variation ID: 288444). Algorithms developed to predict the effect of missense changes on protein structure and function are either unavailable or do not agree on the potential impact of this missense change (SIFT: "Tolerated"; PolyPhen-2: "Possibly Damaging"; Align-GVGD: "Class C0"). In summary, the available evidence is currently insufficient to determine the role of this variant in disease. Therefore, it has been classified as a Variant of Uncertain Significance.

Revvity Omics, Revvity
Classification: Uncertain significance. Last evaluated: 2021-11-16. Review status: criteria provided, single submitter. Criteria: ACMG Guidelines, 2015. Collection method: clinical testing. Allele origin: germline.

Eurofins Ntd Llc (ga)
Classification: Uncertain significance. Last evaluated: 2016-06-03. Review status: criteria provided, single submitter. Criteria: EGL Classification Definitions 2015. Collection method: clinical testing. Allele origin: germline. Observed: 1 variant allele, 1 heterozygote.